The following is an entry in ClinVar:

ClinVar aggregate classification (germline): Conflicting classifications of pathogenicity. Review status: criteria provided, conflicting classifications (1 of 4 stars). 3 submissions from 3 submitters: Uncertain significance (1); Likely benign (2). Last evaluated 2024-07-31.

Conditions:
Brugada syndrome. Also called: Sudden unexpected nocturnal death syndrome; Sudden Unexplained Death Syndrome; Sudden Unexplained Nocturnal Death Syndrome (SUNDS); Sudden unexplained nocturnal death syndrome. Identifiers: Orphanet 130, MedGen C1142166, MONDO:0015263.
Cardiovascular phenotype. Identifiers: MedGen CN230736.

Allele frequency attached by ClinVar (database versions not stated): ExAC 0.00002; gnomAD exomes 0.00002; gnomAD 0.00004; TOPMed 0.00008.
gnomAD v4.1: 28 of 1,606,688 alleles (0.0017%); highest among the groups gnomAD compares: African/African-American, 0.011%; no homozygotes.

Submissions (3):

Labcorp Genetics (formerly Invitae), Labcorp
Classification: Likely benign for Brugada syndrome. Last evaluated: 2024-07-31. Review status: criteria provided, single submitter. Criteria: Invitae Variant Classification Sherloc (09022015). Collection method: clinical testing. Allele origin: germline.

Ambry Genetics
Classification: Likely benign for Cardiovascular phenotype. Last evaluated: 2020-11-09. Review status: criteria provided, single submitter. Criteria: Ambry Variant Classification Scheme 2023. Collection method: clinical testing. Allele origin: germline.

GeneDx
Classification: Uncertain significance. Last evaluated: 2019-08-07. Review status: criteria provided, single submitter. Criteria: GeneDx Variant Classification Process June 2021. Collection method: clinical testing. Allele origin: germline. Affected: yes.
Comment: Has not been previously published as pathogenic or benign to our knowledge; In-silico analysis, which includes splice predictors and evolutionary conservation, is inconclusive as to whether the variant alters gene splicing. In the absence of RNA/functional studies, the actual effect of this sequence change is unknown.

NM_006514.4(SCN10A):c.3156A>G (p.Thr1052=)

Genes: SCN10A (sodium voltage-gated channel alpha subunit 10; minus strand), LOC110121288 (VISTA enhancer hs2268; plus strand). Cytogenetic location: 3p22.2.
Variant type: single nucleotide variant.
Coding change: c.3156A>G on transcript NM_006514.4 (MANE Select); coding-DNA position 3156, A replaced by G.
Protein change: p.Thr1052=; no amino-acid change (threonine 1052 retained).
Molecular consequence: synonymous variant.
Genome position (GRCh38, 1-based): chr3:38,725,246, T>C on the plus strand (A>G on the coding strand, the complement: SCN10A is on the minus strand). VCF-style: chr3-38725246-T-C. GRCh37 (hg19) VCF-style: chr3-38766737-T-C.
Other names: c.3153A>G, p.Thr1051= (NM_001293306.2); c.2862A>G, p.Thr954= (NM_001293307.2).
Identifiers: ClinVar variation 1307778 (VCV001307778.8), dbSNP rs777642089, ClinGen allele CA2320336.